The following is an entry in ClinVar:

ClinVar aggregate classification (germline): Pathogenic (1 of 4 stars; one submission).

Conditions:
Breast-ovarian cancer, familial, susceptibility to, 2 (BROVCA2). Also called: BRCA2 Hereditary Breast and Ovarian Cancer. Identifiers: Orphanet 145, MedGen C2675520, MONDO:0012933, OMIM 612555. Disease mechanism: loss of function.

Submission:

Myriad Genetics, Inc.
Classification: Pathogenic for Breast-ovarian cancer, familial, susceptibility to, 2. Last evaluated: 2023-08-08. Review status: criteria provided, single submitter. Criteria: Myriad Autosomal Dominant, Autosomal Recessive and X-Linked Classification Criteria (2023). Collection method: clinical testing. Allele origin: unknown.
Comment: This variant is considered pathogenic. This variant creates a frameshift predicted to result in premature protein truncation.

NM_000059.4(BRCA2):c.2931_2932delinsT (p.Leu977fs)

Gene: BRCA2 (BRCA2 DNA repair associated; plus strand). Cytogenetic location: 13q13.1.
Variant type: Indel.
Coding change: c.2931_2932delinsT on transcript NM_000059.4 (MANE Select); coding-DNA positions 2931 to 2932, GA replaced by T.
Protein change: p.Leu977fs; shifts the reading frame from leucine 977.
Molecular consequence: frameshift variant. On other transcripts: non-coding transcript variant (1), intron variant (2).
Genome position (GRCh38, 1-based): chr13:32,337,286-32,337,287, GA replaced by T. VCF-style: chr13-32337286-GA-T. GRCh37 (hg19) VCF-style: chr13-32911423-GA-T.
Other names: c.2931_2932delinsT, p.Leu977fs (NM_001406719.1, NM_001406720.1); c.1909+3899_1909+3900delinsT (NM_001406721.1); c.424+6256_424+6257delinsT (NM_001406722.1); short protein forms L977fs.
Identifiers: ClinVar variation 2674516 (VCV002674516.1), dbSNP rs2548524903, ClinGen allele CA2695199256.
Genomic context (GRCh38, chr13:32,337,286, plus strand): 5'-TAGTGTAAAGCAGCATATAAAAATGACTCTAGGTCAAGATTTAAAATCGGACATCTCCTT[GA>T]ATATAGATAAAATACCAGAAAAAAATAATGATTACATGAACAAATGGGCAGGACTCTTAG-3'